The following is an entry in ClinVar:

NM_001142800.2(EYS):c.1766+2578G>A

Gene: EYS (EGF-like photoreceptor maintenance factor; minus strand). Cytogenetic location: 6q12.
Variant type: single nucleotide variant.
Coding change: c.1766+2578G>A on transcript NM_001142800.2 (MANE Select); 2578 bases into the intron after coding-DNA position 1766, G replaced by A.
Molecular consequence: intron variant. On other transcripts: synonymous variant (1).
Genome position (GRCh38, 1-based): chr6:65,332,402, C>T on the plus strand (G>A on the coding strand, the complement: EYS is on the minus strand). VCF-style: chr6-65332402-C-T. GRCh37 (hg19) VCF-style: chr6-66042295-C-T.
Other names: c.1782G>A (NM_001142801.1); c.1782G>A, p.Thr594= (NM_001142801.2); c.1766+2578G>A (NM_001292009.2).
Identifiers: ClinVar variation 2499016 (VCV002499016.30), dbSNP rs370180704, ClinGen allele CA3877607.
Genomic context (GRCh38, chr6:65,332,402, plus strand): 5'-TCCCACCTGGTCATGCTGTATAAACCTTTCTATATGTTGCTGAATTTGGTGTGGTATCAC[C>T]GTGTTGAGGATTCTTCTGTGAATTAATTTGGGAAGAATTAATATTTTAGCTAACTTAAGG-3'

ClinVar aggregate classification (germline): Likely benign. Review status: criteria provided, multiple submitters, no conflicts (2 of 4 stars). 3 submissions from 3 submitters: Likely benign (3). Last evaluated 2024-10-17.

Conditions:
EYS-related disorder. Also called: EYS-related condition.

Allele frequency attached by ClinVar (database versions not stated): ExAC 0.00009; gnomAD exomes 0.00013; ESP Exome Variant Server 0.00022; 1000 Genomes Project 30x 0.00047; gnomAD 0.00055; 1000 Genomes Project 0.00060; TOPMed 0.00067.
gnomAD v4.1: 251 of 1,310,964 alleles (0.019%); highest among the groups gnomAD compares: African/African-American, 0.16%; no homozygotes.

Submissions (3):

PreventionGenetics, part of Exact Sciences
Classification: Likely benign for EYS-related condition. Last evaluated: 2024-10-17. Review status: criteria provided, single submitter. Criteria: ACMG Guidelines, 2015. Collection method: clinical testing. Allele origin: germline.
Comment: This variant is classified as likely benign based on ACMG/AMP sequence variant interpretation guidelines (Richards et al. 2015 PMID: 25741868, with internal and published modifications).

Blueprint Genetics
Classification: Likely benign. Last evaluated: 2024-10-15. Review status: criteria provided, single submitter. Criteria: ACMG Guidelines, 2015. Collection method: clinical testing. Allele origin: germline.

CeGaT Center for Human Genetics Tuebingen
Classification: Likely benign. Last evaluated: 2023-02-01. Review status: criteria provided, single submitter. Criteria: CeGaT Center For Human Genetics Tuebingen Variant Classification Criteria Version 2. Collection method: clinical testing. Allele origin: germline. Affected: yes. Observed: 1 variant allele.
Comment: EYS: BP4, BP7